The following is an entry in ClinVar:

NM_020699.4(GATAD2B):c.98A>G (p.Lys33Arg)

Gene: GATAD2B (GATA zinc finger domain containing 2B; minus strand). Cytogenetic location: 1q21.3.
Variant type: single nucleotide variant.
Coding change: c.98A>G on transcript NM_020699.4 (MANE Select); coding-DNA position 98, A replaced by G.
Protein change: p.Lys33Arg; replaces lysine 33 with arginine.
Molecular consequence: missense variant.
Genome position (GRCh38, 1-based): chr1:153,828,250, T>C on the plus strand (A>G on the coding strand, the complement: GATAD2B is on the minus strand). VCF-style: chr1-153828250-T-C. GRCh37 (hg19) VCF-style: chr1-153800726-T-C.
Other names: short protein forms K33R.
Identifiers: ClinVar variation 3008693 (VCV003008693.3), dbSNP rs1674951237, ClinGen allele CA342541612.

ClinVar aggregate classification (germline): Uncertain significance (1 of 4 stars; one submission).

Allele frequency attached by ClinVar (database versions not stated): gnomAD exomes below 0.00001; TOPMed below 0.00001; gnomAD 0.00001.
gnomAD v4.1: 2 of 1,614,058 alleles (0.00012%); highest among the groups gnomAD compares: Non-Finnish European, 0.00017%; no homozygotes.

Submission:

Labcorp Genetics (formerly Invitae), Labcorp
Classification: Uncertain significance. Last evaluated: 2023-03-29. Review status: criteria provided, single submitter. Criteria: Invitae Variant Classification Sherloc (09022015). Collection method: clinical testing. Allele origin: germline.
Comment: This sequence change replaces lysine, which is basic and polar, with arginine, which is basic and polar, at codon 33 of the GATAD2B protein (p.Lys33Arg). This variant is not present in population databases (gnomAD no frequency). This variant has not been reported in the literature in individuals affected with GATAD2B-related conditions. Advanced modeling of protein sequence and biophysical properties (such as structural, functional, and spatial information, amino acid conservation, physicochemical variation, residue mobility, and thermodynamic stability) performed at Invitae indicates that this missense variant is not expected to disrupt GATAD2B protein function. In summary, the available evidence is currently insufficient to determine the role of this variant in disease. Therefore, it has been classified as a Variant of Uncertain Significance.